The following is an entry in ClinVar:

ClinVar aggregate classification (germline): Uncertain significance. Review status: criteria provided, multiple submitters, no conflicts (2 of 4 stars). 2 submissions from 2 submitters: Uncertain significance (2). Last evaluated 2026-06-28.

Conditions:
Hereditary cancer-predisposing syndrome. Also called: Hereditary Cancer Syndrome; Neoplastic Syndromes, Hereditary; Hereditary neoplastic syndrome; Tumor predisposition. Identifiers: Orphanet 140162, MedGen C0027672, MeSH D009386, MONDO:0015356.
Oligodontia-cancer predisposition syndrome. Also called: TOOTH AGENESIS-COLORECTAL CANCER SYNDROME. Identifiers: Orphanet 300576, MedGen C1837750, MONDO:0012075, OMIM 608615. Disease mechanism: loss of function.

Submissions (2):

Ambry Genetics
Classification: Uncertain significance for Hereditary cancer-predisposing syndrome. Last evaluated: 2026-06-28. Review status: criteria provided, single submitter. Criteria: Ambry Variant Classification Scheme 2023. Collection method: clinical testing. Allele origin: germline.
Comment: The p.D88N variant (also known as c.262G>A), located in coding exon 1 of the AXIN2 gene, results from a G to A substitution at nucleotide position 262. The aspartic acid at codon 88 is replaced by asparagine, an amino acid with highly similar properties. This amino acid position is conserved. In addition, this alteration is predicted to be tolerated by in silico analysis. Based on the available evidence, the clinical significance of this variant remains unclear.

Labcorp Genetics (formerly Invitae), Labcorp
Classification: Uncertain significance for Oligodontia-cancer predisposition syndrome. Last evaluated: 2021-03-06. Review status: criteria provided, single submitter. Criteria: Invitae Variant Classification Sherloc (09022015). Collection method: clinical testing. Allele origin: germline.
Comment: Algorithms developed to predict the effect of missense changes on protein structure and function are either unavailable or do not agree on the potential impact of this missense change (SIFT: "Deleterious"; PolyPhen-2: "Probably Damaging"; Align-GVGD: "Class C15"). In summary, the available evidence is currently insufficient to determine the role of this variant in disease. Therefore, it has been classified as a Variant of Uncertain Significance. This variant has not been reported in the literature in individuals with AXIN2-related conditions. This variant is not present in population databases (ExAC no frequency). This sequence change replaces aspartic acid with asparagine at codon 88 of the AXIN2 protein (p.Asp88Asn). The aspartic acid residue is highly conserved and there is a small physicochemical difference between aspartic acid and asparagine.

NM_004655.4(AXIN2):c.262G>A (p.Asp88Asn)

Gene: AXIN2 (axin 2; minus strand). Cytogenetic location: 17q24.1.
Variant type: single nucleotide variant.
Coding change: c.262G>A on transcript NM_004655.4 (MANE Select); coding-DNA position 262, G replaced by A.
Protein change: p.Asp88Asn; replaces aspartic acid 88 with asparagine.
Molecular consequence: missense variant.
Genome position (GRCh38, 1-based): chr17:65,558,359, C>T on the plus strand (G>A on the coding strand, the complement: AXIN2 is on the minus strand). VCF-style: chr17-65558359-C-T. GRCh37 (hg19) VCF-style: chr17-63554477-C-T.
Other names: c.262G>A, p.Asp88Asn (NM_001363813.1); c.262G>A (NM_004655.3); short protein forms D88N.
Identifiers: ClinVar variation 1423519 (VCV001423519.9), dbSNP rs752743306, ClinGen allele CA400681789.